The following is an entry in ClinVar:

ClinVar aggregate classification (germline): Uncertain significance. Review status: criteria provided, multiple submitters, no conflicts (2 of 4 stars). 2 submissions from 2 submitters: Uncertain significance (2). Last evaluated 2024-09-21.

Allele frequency attached by ClinVar (database versions not stated): ExAC 0.00001; gnomAD exomes 0.00001; TOPMed 0.00001.
gnomAD v4.1: 18 of 1,613,508 alleles (0.0011%); highest among the groups gnomAD compares: South Asian, 0.0033%; no homozygotes.

Submissions (2):

Blueprint Genetics
Classification: Uncertain significance. Last evaluated: 2024-09-21. Review status: criteria provided, single submitter. Criteria: ACMG Guidelines, 2015. Collection method: clinical testing. Allele origin: germline.

Labcorp Genetics (formerly Invitae), Labcorp
Classification: Uncertain significance. Last evaluated: 2022-06-27. Review status: criteria provided, single submitter. Criteria: Invitae Variant Classification Sherloc (09022015). Collection method: clinical testing. Allele origin: germline.
Comment: This sequence change replaces glycine, which is neutral and non-polar, with alanine, which is neutral and non-polar, at codon 1197 of the LTBP2 protein (p.Gly1197Ala). This variant is present in population databases (rs773026165, gnomAD 0.003%). This variant has not been reported in the literature in individuals affected with LTBP2-related conditions. Algorithms developed to predict the effect of missense changes on protein structure and function (SIFT, PolyPhen-2, Align-GVGD) all suggest that this variant is likely to be disruptive. In summary, the available evidence is currently insufficient to determine the role of this variant in disease. Therefore, it has been classified as a Variant of Uncertain Significance.

NM_000428.3(LTBP2):c.3590G>C (p.Gly1197Ala)

Gene: LTBP2 (latent transforming growth factor beta binding protein 2; minus strand). Cytogenetic location: 14q24.3.
Variant type: single nucleotide variant.
Coding change: c.3590G>C on transcript NM_000428.3 (MANE Select); coding-DNA position 3590, G replaced by C.
Protein change: p.Gly1197Ala; replaces glycine 1197 with alanine.
Molecular consequence: missense variant.
Genome position (GRCh38, 1-based): chr14:74,508,666, C>G on the plus strand (G>C on the coding strand, the complement: LTBP2 is on the minus strand). VCF-style: chr14-74508666-C-G. GRCh37 (hg19) VCF-style: chr14-74975369-C-G.
Other names: short protein forms G1197A.
Identifiers: ClinVar variation 1954433 (VCV001954433.3), dbSNP rs773026165, ClinGen allele CA7269111.
Genomic context (GRCh38, chr14:74,508,666, plus strand): 5'-TGGCAGCTGGTGCCCCCCTCTGCGCTGACGAAGCCAGGCGCGCACAGACAGAAGAAAGAC[C>G]CGTGGCTGTTGAGGCACTCGCCGTGGGGTGCGCAGTGCTCCTCCCCCATGCACTCATTCA-3'
Protein context (NP_000419.1, residues 1187-1207): APHGECLNSH[Gly1197Ala]SFFCLCAPGF